The following is an entry in ClinVar:

NM_003504.5(CDC45):c.955G>T (p.Gly319Cys)

Gene: CDC45 (cell division cycle 45; plus strand). Cytogenetic location: 22q11.21.
Variant type: single nucleotide variant.
Coding change: c.955G>T on transcript NM_003504.5 (MANE Select); coding-DNA position 955, G replaced by T.
Protein change: p.Gly319Cys; replaces glycine 319 with cysteine.
Molecular consequence: missense variant. On other transcripts: non-coding transcript variant (1).
Genome position (GRCh38, 1-based): chr22:19,507,516, G>T. VCF-style: chr22-19507516-G-T. GRCh37 (hg19) VCF-style: chr22-19495039-G-T.
Other names: c.1051G>T, p.Gly351Cys (NM_001178010.2); c.817G>T, p.Gly273Cys (NM_001178011.2); c.919G>T, p.Gly307Cys (NM_001369291.1); short protein forms G273C, G307C, G319C, G351C.
Identifiers: ClinVar variation 4883769 (VCV004883769.2).

ClinVar aggregate classification (germline): Uncertain significance (1 of 4 stars; one submission).

Submission:

Dasa
Classification: Uncertain significance. Last evaluated: 2025-04-02. Review status: criteria provided, single submitter. Criteria: DASA Assertion Criteria. Collection method: clinical testing. Allele origin: germline.
Comment: NM_003504.5(CDC45):c.955G>T (p.Gly319Cys) is a missense variant that results in the substitution of glycine with cysteine. This variant is absent from population databases. The currently available literature and clinical evidence are not sufficient to establish a definitive association between this variant and the reported condition. Therefore, this variant is classified as a variant of uncertain significance.